The following is an entry in ClinVar:

NM_000070.3(CAPN3):c.797T>C (p.Ile266Thr)

Gene: CAPN3 (calpain 3; plus strand). Cytogenetic location: 15q15.1.
Variant type: single nucleotide variant.
Coding change: c.797T>C on transcript NM_000070.3 (MANE Select); coding-DNA position 797, T replaced by C.
Protein change: p.Ile266Thr; replaces isoleucine 266 with threonine.
Molecular consequence: missense variant.
Genome position (GRCh38, 1-based): chr15:42,389,092, T>C. VCF-style: chr15-42389092-T-C. GRCh37 (hg19) VCF-style: chr15-42681290-T-C.
Other names: c.797T>C, p.Ile266Thr (NM_024344.2, NM_173087.2); short protein forms I266T.
Identifiers: ClinVar variation 287425 (VCV000287425.14), dbSNP rs761142449, ClinGen allele CA10605761.
Genomic context (GRCh38, chr15:42,389,092, plus strand): 5'-GTGACATGTACAAGATCATGAAGAAAGCCATCGAGAGAGGCTCCCTCATGGGCTGCTCCA[T>C]TGATGTAAGTCTGGGGTGTGGGGCACAGGGTGGGGAGCTCCAAGTGTCAGGAAGCCTTTT-3'
Protein context (NP_000061.1, residues 256-276): IERGSLMGCS[Ile266Thr]DDGTNMTYGT

ClinVar aggregate classification (germline): Uncertain significance. Review status: criteria provided, multiple submitters, no conflicts (2 of 4 stars). 5 submissions from 5 submitters: Uncertain significance (4). 1 of the submissions does not count toward it. Last evaluated 2024-10-13.

Conditions:
Autosomal recessive limb-girdle muscular dystrophy type 2A (LGMDR1). Also called: Calpainopathy; MUSCULAR DYSTROPHY, PELVOFEMORAL; Limb-girdle muscular dystrophy, type 2A; Muscular dystrophy, limb-girdle, type 2A, Amish; LEYDEN-MOEBIUS MUSCULAR DYSTROPHY. Identifiers: Orphanet 267, MedGen C1869123, MONDO:0009675, OMIM 253600. Disease mechanism: loss of function.

Allele frequency attached by ClinVar (database versions not stated): TOPMed below 0.00001; gnomAD 0.00001 and 0.00003; gnomAD exomes 0.00002.
gnomAD v4.1: 36 of 1,613,930 alleles (0.0022%); highest among the groups gnomAD compares: Middle Eastern, 0.083%; no homozygotes.

Submissions (5):

Labcorp Genetics (formerly Invitae), Labcorp
Classification: Uncertain significance for Autosomal recessive limb-girdle muscular dystrophy type 2A. Last evaluated: 2024-10-13. Review status: criteria provided, single submitter. Criteria: Invitae Variant Classification Sherloc (09022015). Collection method: clinical testing. Allele origin: germline.
Comment: This sequence change replaces isoleucine, which is neutral and non-polar, with threonine, which is neutral and polar, at codon 266 of the CAPN3 protein (p.Ile266Thr). This variant is present in population databases (rs761142449, gnomAD 0.007%). This variant has not been reported in the literature in individuals affected with CAPN3-related conditions. ClinVar contains an entry for this variant (Variation ID: 287425). Invitae Evidence Modeling of protein sequence and biophysical properties (such as structural, functional, and spatial information, amino acid conservation, physicochemical variation, residue mobility, and thermodynamic stability) indicates that this missense variant is not expected to disrupt CAPN3 protein function with a negative predictive value of 80%. In summary, the available evidence is currently insufficient to determine the role of this variant in disease. Therefore, it has been classified as a Variant of Uncertain Significance.

Revvity Omics, Revvity
Classification: Uncertain significance. Last evaluated: 2019-08-02. Review status: criteria provided, single submitter. Criteria: ACMG Guidelines, 2015. Collection method: clinical testing. Allele origin: germline.

Eurofins Ntd Llc (ga)
Classification: Uncertain significance. Last evaluated: 2016-05-20. Review status: criteria provided, single submitter. Criteria: EGL Classification Definitions 2015. Collection method: clinical testing. Allele origin: germline. Observed: 1 variant allele, 1 heterozygote.

Breakthrough Genomics
Classification: Uncertain significance. Review status: criteria provided, single submitter. Criteria: ACMG Guidelines, 2015. Collection method: not provided. Allele origin: germline. Inheritance: Autosomal recessive inheritance. Affected: yes.

Natera, Inc.
Classification: Uncertain significance for Limb-girdle muscular dystrophy type 2A. Last evaluated: 2020-02-03. Review status: no assertion criteria provided. Collection method: clinical testing. Allele origin: germline. Not counted in ClinVar's aggregate classification.